The following is an entry in ClinVar:

ClinVar aggregate classification (germline): Conflicting classifications of pathogenicity. Review status: criteria provided, conflicting classifications (1 of 4 stars). 6 submissions from 6 submitters: Uncertain significance (1); Likely benign (5). Last evaluated 2026-01-18.

Conditions:
Bethlem myopathy 1A. Also called: MYOPATHY, BENIGN CONGENITAL, WITH CONTRACTURES; Bethlem myopathy 1; Bethlem Muscular Dystrophy. Identifiers: Orphanet 610, MedGen CN029274, MONDO:0024530, OMIM 158810.
Collagen 6-related myopathy. Identifiers: MedGen CN117976, MONDO:0100225.

Allele frequency attached by ClinVar (database versions not stated): ExAC 0.00014; ESP Exome Variant Server 0.00015; gnomAD 0.00016 and 0.00017; gnomAD exomes 0.00016 and 0.00026; TOPMed 0.00017.
gnomAD v4.1: 394 of 1,614,054 alleles (0.024%); highest among the groups gnomAD compares: Middle Eastern, 0.033%; no homozygotes.

Submissions (6):

Labcorp Genetics (formerly Invitae), Labcorp
Classification: Likely benign for Bethlem myopathy 1A. Last evaluated: 2026-01-18. Review status: criteria provided, single submitter. Criteria: Invitae Variant Classification Sherloc (09022015). Collection method: clinical testing. Allele origin: germline.

CeGaT Center for Human Genetics Tuebingen
Classification: Likely benign. Last evaluated: 2026-01-01. Review status: criteria provided, single submitter. Criteria: CeGaT Center For Human Genetics Tuebingen Variant Classification Criteria Version 2. Collection method: clinical testing. Allele origin: germline. Affected: yes. Observed: 5 variant alleles.
Comment: COL6A3: BP4, BP7

Mayo Clinic Laboratories, Mayo Clinic
Classification: Likely benign. Last evaluated: 2025-06-19. Review status: criteria provided, single submitter. Criteria: ACMG Guidelines, 2015. Collection method: clinical testing. Allele origin: germline. Observed: 2 variant alleles.
Comment: BP4, BP7

Blueprint Genetics
Classification: Likely benign. Last evaluated: 2024-06-05. Review status: criteria provided, single submitter. Criteria: ACMG Guidelines, 2015. Collection method: clinical testing. Allele origin: germline.

Illumina Laboratory Services, Illumina
Classification: Likely benign for Collagen VI-related myopathy. Last evaluated: 2018-01-13. Review status: criteria provided, single submitter. Criteria: ICSL Variant Classification Criteria 13 December 2019. Collection method: clinical testing. Allele origin: germline.
Comment: This variant was observed in the ICSL laboratory as part of a predisposition screen in an ostensibly healthy population. It had not been previously curated by ICSL or reported in the Human Gene Mutation Database (HGMD: prior to June 1st, 2018), and was therefore a candidate for classification through an automated scoring system. Utilizing variant allele frequency, disease prevalence and penetrance estimates, and inheritance mode, an automated score was calculated to assess if this variant is too frequent to cause the disease. Based on the score and internal cut-off values, a variant classified as likely benign is not then subjected to further curation. The score for this variant resulted in a classification of likely benign for this disease.

Eurofins Ntd Llc (ga)
Classification: Uncertain significance. Last evaluated: 2016-02-11. Review status: criteria provided, single submitter. Criteria: EGL Classification Definitions 2015. Collection method: clinical testing. Allele origin: germline. Observed: 4 variant alleles, 4 heterozygotes.

NM_004369.4(COL6A3):c.7401G>A (p.Ser2467=)

Gene: COL6A3 (collagen type VI alpha 3 chain; minus strand). Cytogenetic location: 2q37.3.
Variant type: single nucleotide variant.
Coding change: c.7401G>A on transcript NM_004369.4 (MANE Select); coding-DNA position 7401, G replaced by A.
Protein change: p.Ser2467=; no amino-acid change (serine 2467 retained).
Molecular consequence: synonymous variant.
Genome position (GRCh38, 1-based): chr2:237,344,617, C>T on the plus strand (G>A on the coding strand, the complement: COL6A3 is on the minus strand). VCF-style: chr2-237344617-C-T. GRCh37 (hg19) VCF-style: chr2-238253260-C-T.
Other names: p.Ser2467=; c.5580G>A, p.Ser1860= (NM_057166.5); c.6783G>A, p.Ser2261= (NM_057167.4).
Identifiers: ClinVar variation 166937 (VCV000166937.45), dbSNP rs377572272, ClinGen allele CA233822.
Genomic context (GRCh38, chr2:237,344,617, plus strand): 5'-CAGACTCTGCTGTTTGGATGTCAGAGCCACCTGAAGGTTCTTAATCTTGTCCAGGAGGAC[C>T]GACTTCCTCTTGGAGTCAGCAAACCGGATCTCCGTGGTCACCTCGTTGTTGTAGGTGACC-3'
Protein context (NP_004360.2, residues 2457-2477): EIRFADSKRK[Ser2467=]VLLDKIKNLQ